The following is an entry in ClinVar:

NM_000089.4(COL1A2):c.947G>A (p.Gly316Asp)

Gene: COL1A2 (collagen type I alpha 2 chain; plus strand). Cytogenetic location: 7q21.3.
Variant type: single nucleotide variant.
Coding change: c.947G>A on transcript NM_000089.4 (MANE Select); coding-DNA position 947, G replaced by A.
Protein change: p.Gly316Asp; replaces glycine 316 with aspartic acid.
Molecular consequence: missense variant.
Genome position (GRCh38, 1-based): chr7:94,409,733, G>A. VCF-style: chr7-94409733-G-A. GRCh37 (hg19) VCF-style: chr7-94039045-G-A.
Other names: short protein forms G316D.
Identifiers: ClinVar variation 2636261 (VCV002636261.1), dbSNP rs2484708250, ClinGen allele CA368220852.

ClinVar aggregate classification (germline): Likely pathogenic (1 of 4 stars; one submission).

Conditions:
COL1A2-related disorder. Also called: COL1A2-Related Disorders; COL1A2-related condition.

Submission:

PreventionGenetics, part of Exact Sciences
Classification: Likely pathogenic for COL1A2-related condition. Last evaluated: 2022-09-01. Review status: criteria provided, single submitter. Criteria: ACMG Guidelines, 2015. Collection method: clinical testing. Allele origin: germline.
Comment: The COL1A2 c.947G>A variant is predicted to result in the amino acid substitution p.Gly316Asp. To our knowledge, this variant has not been reported in the literature or in a large population database, indicating this variant is rare. The p.Gly316 amino acid is located in the conserved Gly-Xaa-Yaa triple helical domain where substitutions of a glycine are usually pathogenic (Marini et al. 2007. PubMed ID: 17078022). Other missense changes at the same amino acid position, p.Gly316Ser, p.Gly316Arg, and p.Gly316Cys (referred to as p.Gly226 using legacy nomenclature) have been reported in patients with osteogenesis imperfecta (Gentile et al. 2012. PubMed ID: 22753364; Marini. 2007. PubMed ID: 17078022; Rong. 2015. PubMed ID: 25608812). This variant is interpreted as likely pathogenic.